The following is an entry in ClinVar:

NM_006922.4(SCN3A):c.2031_2032delinsTA (p.Glu678Lys)

Gene: SCN3A (sodium voltage-gated channel alpha subunit 3; minus strand). Cytogenetic location: 2q24.3.
Variant type: Indel.
Coding change: c.2031_2032delinsTA on transcript NM_006922.4 (MANE Select); coding-DNA positions 2031 to 2032, AG replaced by TA.
Protein change: p.Glu678Lys; replaces glutamic acid 678 with lysine.
Molecular consequence: missense variant.
Genome position (GRCh38, 1-based): chr2:165,139,596-165,139,597, CT replaced by TA on the plus strand (AG replaced by TA on the coding strand, the reverse complement: SCN3A is on the minus strand). VCF-style: chr2-165139596-CT-TA. GRCh37 (hg19) VCF-style: chr2-165996106-CT-TA.
Other names: c.1884_1885delinsTA, p.Glu629Lys (NM_001081676.2, NM_001081677.2); short protein forms E629K, E678K.
Identifiers: ClinVar variation 650344 (VCV000650344.8), dbSNP rs1574196033, ClinGen allele CA915942927.

ClinVar aggregate classification (germline): Uncertain significance (1 of 4 stars; one submission).

Submission:

Labcorp Genetics (formerly Invitae), Labcorp
Classification: Uncertain significance. Last evaluated: 2022-09-05. Review status: criteria provided, single submitter. Criteria: Invitae Variant Classification Sherloc (09022015). Collection method: clinical testing. Allele origin: germline.
Comment: ClinVar contains an entry for this variant (Variation ID: 650344). In summary, the available evidence is currently insufficient to determine the role of this variant in disease. Therefore, it has been classified as a Variant of Uncertain Significance. Experimental studies and prediction algorithms are not available or were not evaluated, and the functional significance of this variant is currently unknown. This variant has not been reported in the literature in individuals affected with SCN3A-related conditions. Information on the frequency of this variant in the gnomAD database is not available, as this variant may be reported differently in the database. This sequence change replaces glutamic acid, which is acidic and polar, with lysine, which is basic and polar, at codon 678 of the SCN3A protein (p.Glu678Lys).